The following is an entry in ClinVar:

NM_001351169.2(NT5C2):c.205G>A (p.Gly69Ser)

Gene: NT5C2 (5'-nucleotidase, cytosolic II; minus strand). Cytogenetic location: 10q24.33.
Variant type: single nucleotide variant.
Coding change: c.205G>A on transcript NM_001351169.2 (MANE Select); coding-DNA position 205, G replaced by A.
Protein change: p.Gly69Ser; replaces glycine 69 with serine.
Molecular consequence: missense variant. On other transcripts: 5 prime UTR variant (22).
Genome position (GRCh38, 1-based): chr10:103,106,677, C>T on the plus strand (G>A on the coding strand, the complement: NT5C2 is on the minus strand). VCF-style: chr10-103106677-C-T. GRCh37 (hg19) VCF-style: chr10-104866434-C-T.
Other names: c.205G>A, p.Gly69Ser (NM_001134373.3, NM_001351170.2, NM_001351171.2 and 3 more transcripts); c.118G>A, p.Gly40Ser (NM_001351174.1); c.112G>A, p.Gly38Ser (NM_001351175.2); c.-369G>A (NM_001351176.2, NM_001351177.2, NM_001351183.2 and 2 more transcripts); c.-393G>A (NM_001351178.2, NM_001351193.1); c.-561G>A (NM_001351179.2, NM_001351180.2, NM_001351182.2 and 3 more transcripts); c.-277G>A (NM_001351181.2, NM_001351191.1); c.-582G>A (NM_001351185.2); and 5 more; short protein forms G38S, G40S, G69S.
Identifiers: ClinVar variation 2171863 (VCV002171863.4), dbSNP rs2494890883, ClinGen allele CA377978309.

ClinVar aggregate classification (germline): Uncertain significance (1 of 4 stars; one submission).

Conditions:
Hereditary spastic paraplegia 45. Also called: Spastic paraplegia 45, autosomal recessive; SPASTIC PARAPLEGIA 45. Identifiers: Orphanet 320396, MedGen C3888209, MONDO:0013165, OMIM 613162.

Allele frequency attached by ClinVar (database versions not stated): gnomAD exomes 0.00001.

Submission:

Labcorp Genetics (formerly Invitae), Labcorp
Classification: Uncertain significance for Hereditary spastic paraplegia 45. Last evaluated: 2022-11-15. Review status: criteria provided, single submitter. Criteria: Invitae Variant Classification Sherloc (09022015). Collection method: clinical testing. Allele origin: germline.
Comment: This variant has not been reported in the literature in individuals affected with NT5C2-related conditions. Algorithms developed to predict the effect of missense changes on protein structure and function are either unavailable or do not agree on the potential impact of this missense change (SIFT: "Deleterious"; PolyPhen-2: "Benign"; Align-GVGD: "Class C0"). In summary, the available evidence is currently insufficient to determine the role of this variant in disease. Therefore, it has been classified as a Variant of Uncertain Significance. This sequence change replaces glycine, which is neutral and non-polar, with serine, which is neutral and polar, at codon 69 of the NT5C2 protein (p.Gly69Ser). This variant is not present in population databases (gnomAD no frequency).